The following is an entry in ClinVar:

ClinVar aggregate classification (germline): Benign (1 of 4 stars; one submission).

Conditions:
Familial adenomatous polyposis 1 (FAP1). Also called: POLYPOSIS, ADENOMATOUS INTESTINAL; FAMILIAL ADENOMATOUS POLYPOSIS 1, ATTENUATED. Identifiers: MedGen C2713442, MONDO:0021056, OMIM 175100. Disease mechanism: loss of function.

Submission:

Myriad Genetics, Inc.
Classification: Benign for Familial adenomatous polyposis 1. Last evaluated: 2024-04-02. Review status: criteria provided, single submitter. Criteria: Myriad Autosomal Dominant, Autosomal Recessive and X-Linked Classification Criteria (2023). Collection method: clinical testing. Allele origin: unknown.
Comment: This variant is considered benign. This variant is a silent/synonymous amino acid change and it is not expected to impact splicing.

NM_000038.6(APC):c.5625C>T (p.Ser1875=)

Gene: APC (APC regulator of Wnt signaling pathway; plus strand). Cytogenetic location: 5q22.2.
Variant type: single nucleotide variant.
Coding change: c.5625C>T on transcript NM_000038.6 (MANE Select); coding-DNA position 5625, C replaced by T.
Protein change: p.Ser1875=; no amino-acid change (serine 1875 retained).
Molecular consequence: synonymous variant. On other transcripts: non-coding transcript variant (2).
Genome position (GRCh38, 1-based): chr5:112,841,219, C>T. VCF-style: chr5-112841219-C-T. GRCh37 (hg19) VCF-style: chr5-112176916-C-T.
Other names: c.5625C>T, p.Ser1875= (NM_001127510.3, NM_001354895.2, NM_001407450.1); c.5571C>T, p.Ser1857= (NM_001127511.3); c.5679C>T, p.Ser1893= (NM_001354896.2, NM_001407447.1, NM_001407448.1 and 1 more transcripts); c.5655C>T, p.Ser1885= (NM_001354897.2); c.5550C>T, p.Ser1850= (NM_001354898.2); c.5541C>T, p.Ser1847= (NM_001354899.2); c.5502C>T, p.Ser1834= (NM_001354900.2); c.5448C>T, p.Ser1816= (NM_001354901.2, NM_001407453.1); and 11 more.
Identifiers: ClinVar variation 3253859 (VCV003253859.1), dbSNP rs2149944965.